The following is an entry in ClinVar:

ClinVar aggregate classification (germline): Conflicting classifications of pathogenicity. Review status: criteria provided, conflicting classifications (1 of 4 stars). 2 submissions from 2 submitters: Likely risk allele (1); Uncertain significance (1). Last evaluated 2018-07-02.

Conditions:
Wolfram syndrome 1 (WFS1). Identifiers: Orphanet 3463, MedGen C4551693, MONDO:0009101, OMIM 222300.
Wolfram-like syndrome. Also called: HEARING LOSS, PROGRESSIVE, WITH OPTIC ATROPHY AND/OR IMPAIRED GLUCOSE REGULATION. Identifiers: Orphanet 411590, MedGen C3280358, MONDO:0013673, OMIM 614296.

Submissions (2):

Institute of Human Genetics, University of Leipzig Medical Center
Classification: Uncertain significance for Wolfram-like syndrome. Last evaluated: 2018-07-02. Review status: criteria provided, single submitter. Criteria: ACMG Guidelines, 2015. Collection method: clinical testing. Allele origin: germline. Affected: yes. Observed: 1 variant allele.

Clinical Genomics, Uppaluri K&H Personalized Medicine Clinic
Classification: Likely risk allele for Wolfram syndrome 1. Review status: criteria provided, single submitter. Criteria: K & H Uppaluri Personalized Medicine Clinic Variant Classification & Assertion Criteria_Updated V.1. Collection method: research. Allele origin: unknown. Inheritance: Autosomal recessive inheritance.
Comment: Potent mutations in WFS1 gene are associated with Wolfram's syndrome, an autosomal recessive condition, which cause diabetes mellitus, diabetes insipidus, deafness and optic atrophy. However no sufficient evidence is found to ascertain the role of this particular variant rs1730963697 in Wolfram's syndrome yet.

Literature cited by the submitters: PubMed 20738327 (cited by Clinical Genomics, Uppaluri K&H Personalized Medicine Clinic); PubMed 33879153 (cited by Clinical Genomics, Uppaluri K&H Personalized Medicine Clinic); PubMed 12955714 (cited by Clinical Genomics, Uppaluri K&H Personalized Medicine Clinic); PubMed 18060660 (cited by Clinical Genomics, Uppaluri K&H Personalized Medicine Clinic); PubMed 20301750 (cited by Clinical Genomics, Uppaluri K&H Personalized Medicine Clinic); PubMed 17603484 (cited by Clinical Genomics, Uppaluri K&H Personalized Medicine Clinic).

NM_006005.3(WFS1):c.2405T>C (p.Ile802Thr)

Gene: WFS1 (wolframin ER transmembrane glycoprotein; plus strand). Cytogenetic location: 4p16.1.
Variant type: single nucleotide variant.
Coding change: c.2405T>C on transcript NM_006005.3 (MANE Select); coding-DNA position 2405, T replaced by C.
Protein change: p.Ile802Thr; replaces isoleucine 802 with threonine.
Molecular consequence: missense variant.
Genome position (GRCh38, 1-based): chr4:6,302,200, T>C. VCF-style: chr4-6302200-T-C. GRCh37 (hg19) VCF-style: chr4-6303927-T-C.
Other names: c.2405T>C, p.Ile802Thr (NM_001145853.1); short protein forms I802T.
Identifiers: ClinVar variation 976364 (VCV000976364.2), dbSNP rs1730963697, ClinGen allele CA356178521.
Genomic context (GRCh38, chr4:6,302,200, plus strand): 5'-CATTCAGCAGCGGCGCTGACGGCTCGCGCAGCCGCGAGGAGGACGACGTCACCAAGGACA[T>C]CGTGCTGCGGGCCAGCAGCGAGTTCAAGAGCGTGCTGCTCAGCCTGCGCCAGGGCAGCCT-3'
Protein context (NP_005996.2, residues 792-812): SREEDDVTKD[Ile802Thr]VLRASSEFKS